The following is an entry in ClinVar:

NM_020822.3(KCNT1):c.298C>T (p.Arg100Trp)

Gene: KCNT1 (potassium sodium-activated channel subfamily T member 1; plus strand). Cytogenetic location: 9q34.3.
Variant type: single nucleotide variant.
Coding change: c.298C>T on transcript NM_020822.3 (MANE Select); coding-DNA position 298, C replaced by T.
Protein change: p.Arg100Trp; replaces arginine 100 with tryptophan.
Molecular consequence: missense variant.
Genome position (GRCh38, 1-based): chr9:135,750,141, C>T. VCF-style: chr9-135750141-C-T. GRCh37 (hg19) VCF-style: chr9-138641987-C-T.
Other names: c.154C>T, p.Arg52Trp (NM_001272003.2); c.298C>T (NM_020822.2); short protein forms R100W, R52W.
Identifiers: ClinVar variation 999362 (VCV000999362.35), dbSNP rs1831067002, ClinGen allele CA375494786.

ClinVar aggregate classification (germline): Conflicting classifications of pathogenicity. Review status: criteria provided, conflicting classifications (1 of 4 stars). 4 submissions from 4 submitters: Pathogenic (1); Uncertain significance (3). Last evaluated 2025-01-07.

Conditions:
Developmental and epileptic encephalopathy, 14 (DEE14). Also called: Early infantile epileptic encephalopathy 14. Identifiers: Orphanet 293181, MedGen C3554195, MONDO:0013989, OMIM 614959.
Autosomal dominant nocturnal frontal lobe epilepsy 5. Also called: CILIARY DYSKINESIA, PRIMARY, 28, WITHOUT SITUS INVERSUS; CILIARY DYSKINESIA, PRIMARY, 28, WITH SITUS INVERSUS; KCNT1-Related Epilepsy; Epilepsy, nocturnal frontal lobe, 5. Identifiers: Orphanet 98784, MedGen C3554306, MONDO:0014002, OMIM 615005.

Allele frequency attached by ClinVar (database versions not stated): TOPMed below 0.00001.
gnomAD v4.1: 17 of 1,613,686 alleles (0.0011%); highest among the groups gnomAD compares: Non-Finnish European, 0.0014%; no homozygotes.

Submissions (4):

GeneDx
Classification: Uncertain significance. Last evaluated: 2025-01-07. Review status: criteria provided, single submitter. Criteria: GeneDx Variant Classification Process June 2021. Collection method: clinical testing. Allele origin: germline. Affected: yes.
Comment: Functional studies demonstrate that R100W has a trend towards a gain-of-function effect, however its effect on current magnitude is non-significant (PMID: 37177976); Not observed at significant frequency in large population cohorts (gnomAD); In silico analysis supports that this missense variant has a deleterious effect on protein structure/function; This variant is associated with the following publications: (PMID: 37177976)

Labcorp Genetics (formerly Invitae), Labcorp
Classification: Pathogenic for Autosomal dominant nocturnal frontal lobe epilepsy 5; Developmental and epileptic encephalopathy, 14. Last evaluated: 2024-11-11. Review status: criteria provided, single submitter. Criteria: Invitae Variant Classification Sherloc (09022015). Collection method: clinical testing. Allele origin: germline.
Comment: This sequence change replaces arginine, which is basic and polar, with tryptophan, which is neutral and slightly polar, at codon 100 of the KCNT1 protein (p.Arg100Trp). This variant is not present in population databases (gnomAD no frequency). This missense change has been observed in individuals with clinical features of developmental and epileptic encephalopathy (internal data). ClinVar contains an entry for this variant (Variation ID: 999362). Invitae Evidence Modeling of protein sequence and biophysical properties (such as structural, functional, and spatial information, amino acid conservation, physicochemical variation, residue mobility, and thermodynamic stability) has been performed for this missense variant. However, the output from this modeling did not meet the statistical confidence thresholds required to predict the impact of this variant on KCNT1 protein function. For these reasons, this variant has been classified as Pathogenic.

3billion
Classification: Uncertain significance for Developmental and epileptic encephalopathy, 14. Last evaluated: 2024-07-05. Review status: criteria provided, single submitter. Criteria: ACMG Guidelines, 2015. Collection method: clinical testing. Allele origin: germline. Affected: yes.
Comment: The variant is observed at an extremely low frequency in the gnomAD v4.0.0 dataset (total allele frequency: 0.001%). Predicted Consequence/Location: Missense changes are a common disease-causing mechanism. In silico tool predictions suggest damaging effect of the variant on gene or gene product [3Cnet: 0.85 (>=0.6, sensitivity 0.72 and precision 0.9)]. The same nucleotide change resulting in the same amino acid change has been previously reported to be associated with KCNT1-related disorder (ClinVar ID: VCV000999362). However, the evidence of pathogenicity is insufficient at this time. Therefore, this variant is classified as VUS according to the recommendation of ACMG/AMP guideline.

CeGaT Center for Human Genetics Tuebingen
Classification: Uncertain significance. Last evaluated: 2022-12-01. Review status: criteria provided, single submitter. Criteria: CeGaT Center For Human Genetics Tuebingen Variant Classification Criteria Version 2. Collection method: clinical testing. Allele origin: germline. Affected: yes. Observed: 2 variant alleles.